The following is an entry in ClinVar:

NM_012463.4(ATP6V0A2):c.-117C>T

Genes: ATP6V0A2 (ATPase H+ transporting V0 subunit a2; plus strand), LOC130009117 (ATAC-STARR-seq lymphoblastoid silent region 5049; plus strand). Cytogenetic location: 12q24.31.
Variant type: single nucleotide variant.
Coding change: c.-117C>T on transcript NM_012463.4 (MANE Select); 117 bases upstream of the start codon, C replaced by T.
Molecular consequence: 5 prime UTR variant.
Genome position (GRCh38, 1-based): chr12:123,712,449, C>T. VCF-style: chr12-123712449-C-T. GRCh37 (hg19) VCF-style: chr12-124196996-C-T.
Identifiers: ClinVar variation 307576 (VCV000307576.5), dbSNP rs532360215, ClinGen allele CA10641281.
Genomic context (GRCh38, chr12:123,712,449, plus strand): 5'-GCGGCCGCGGTGGCAGAACCGGGGGCGGCCGCTGCAGTCTGGAGCCCCATAGTGCGGGGC[C>T]GCGGCCAGGCCACAGGAAGAGCTCGAGGCCCGGGCCGCACCGGCTGAGTGTGCGGGCCCG-3'

ClinVar aggregate classification (germline): Likely benign (1 of 4 stars; one submission).

Conditions:
Cutis laxa with osteodystrophy (ARCL2A). Also called: Debré-Type Cutis Laxa; CUTIS LAXA WITH CONGENITAL DISORDER OF GLYCOSYLATION; CUTIS LAXA, AUTOSOMAL RECESSIVE, TYPE IIA; CUTIS LAXA WITH BONE DYSTROPHY; CUTIS LAXA WITH GROWTH AND DEVELOPMENTAL DELAY; CUTIS LAXA WITH JOINT LAXITY AND RETARDED DEVELOPMENT. Identifiers: Orphanet 357058, MedGen C0268355, MONDO:0018163, OMIM 219200. Disease mechanism: loss of function.

Allele frequency attached by ClinVar (database versions not stated): gnomAD exomes 0.00333; 1000 Genomes Project 30x 0.00125; 1000 Genomes Project 0.00080; gnomAD 0.00315.
gnomAD v4.1: 1,873 of 582,852 alleles (0.32%); highest among the groups gnomAD compares: Admixed American, 0.47%; 14 homozygotes.

Submission:

Illumina Laboratory Services, Illumina
Classification: Likely benign for Cutis laxa with osteodystrophy. Last evaluated: 2018-01-13. Review status: criteria provided, single submitter. Criteria: ICSL Variant Classification Criteria 13 December 2019. Collection method: clinical testing. Allele origin: germline.
Comment: This variant was observed in the ICSL laboratory as part of a predisposition screen in an ostensibly healthy population. It had not been previously curated by ICSL or reported in the Human Gene Mutation Database (HGMD: prior to June 1st, 2018), and was therefore a candidate for classification through an automated scoring system. Utilizing variant allele frequency, disease prevalence and penetrance estimates, and inheritance mode, an automated score was calculated to assess if this variant is too frequent to cause the disease. Based on the score and internal cut-off values, a variant classified as likely benign is not then subjected to further curation. The score for this variant resulted in a classification of likely benign for this disease.